The following is an entry in ClinVar:

NM_001127644.2(GABRA1):c.1291T>C (p.Phe431Leu)

Gene: GABRA1 (gamma-aminobutyric acid type A receptor subunit alpha1; plus strand). Cytogenetic location: 5q34.
Variant type: single nucleotide variant.
Coding change: c.1291T>C on transcript NM_001127644.2 (MANE Select); coding-DNA position 1291, T replaced by C.
Protein change: p.Phe431Leu; replaces phenylalanine 431 with leucine.
Molecular consequence: missense variant.
Genome position (GRCh38, 1-based): chr5:161,897,342, T>C. VCF-style: chr5-161897342-T-C. GRCh37 (hg19) VCF-style: chr5-161324348-T-C.
Other names: c.1291T>C, p.Phe431Leu (NM_000806.5, NM_001127643.2, NM_001127645.2 and 1 more transcripts); short protein forms F431L.
Identifiers: ClinVar variation 4789495 (VCV004789495.1).

ClinVar aggregate classification (germline): Uncertain significance (1 of 4 stars; one submission).

Conditions:
Epilepsy, idiopathic generalized, susceptibility to, 13. Also called: EPILEPSY, JUVENILE MYOCLONIC, SUSCEPTIBILITY TO, 5. Identifiers: Orphanet 307, Orphanet 64280, MedGen C4013473, MONDO:0012627, OMIM 611136.
Epilepsy, childhood absence 4 (ECA4). Also called: EPILEPSY, CHILDHOOD ABSENCE, SUSCEPTIBILITY TO, 4. Identifiers: Orphanet 307, MedGen C1970160.
Idiopathic generalized epilepsy. Also called: Generalised epilepsy; EIG. Identifiers: MedGen C0270850, MONDO:0005579, OMIM 600669.

Submission:

Labcorp Genetics (formerly Invitae), Labcorp
Classification: Uncertain significance for Epilepsy, childhood absence 4; Epilepsy, idiopathic generalized, susceptibility to, 13; Idiopathic generalized epilepsy. Last evaluated: 2025-05-17. Review status: criteria provided, single submitter. Criteria: Invitae Variant Classification Sherloc (09022015). Collection method: clinical testing. Allele origin: germline.
Comment: This sequence change replaces phenylalanine, which is neutral and non-polar, with leucine, which is neutral and non-polar, at codon 431 of the GABRA1 protein (p.Phe431Leu). This variant is not present in population databases (gnomAD no frequency). This variant has not been reported in the literature in individuals affected with GABRA1-related conditions. Invitae Evidence Modeling of protein sequence and biophysical properties (such as structural, functional, and spatial information, amino acid conservation, physicochemical variation, residue mobility, and thermodynamic stability) indicates that this missense variant is expected to disrupt GABRA1 protein function with a positive predictive value of 95%. In summary, the available evidence is currently insufficient to determine the role of this variant in disease. Therefore, it has been classified as a Variant of Uncertain Significance.